The following is an entry in ClinVar:

NM_005257.6(GATA6):c.1019A>G (p.Tyr340Cys)

Gene: GATA6 (GATA binding protein 6; plus strand). Cytogenetic location: 18q11.2.
Variant type: single nucleotide variant.
Coding change: c.1019A>G on transcript NM_005257.6 (MANE Select); coding-DNA position 1019, A replaced by G.
Protein change: p.Tyr340Cys; replaces tyrosine 340 with cysteine.
Molecular consequence: missense variant.
Genome position (GRCh38, 1-based): chr18:22,172,163, A>G. VCF-style: chr18-22172163-A-G. GRCh37 (hg19) VCF-style: chr18-19752124-A-G.
Other names: short protein forms Y340C.
Identifiers: ClinVar variation 3705519 (VCV003705519.2).
Genomic context (GRCh38, chr18:22,172,163, plus strand): 5'-ACGGGACGTACCACCACCACCACCACCACCACCACCACCATCCGAGCCCCTACTCGCCCT[A>G]CGTGGGGGCGCCACTGACGCCTGCCTGGCCCGCCGGACCCTTCGAGACCCCGGTGCTGCA-3'
Protein context (NP_005248.2, residues 330-350): HHHHPSPYSP[Tyr340Cys]VGAPLTPAWP

ClinVar aggregate classification (germline): Uncertain significance (1 of 4 stars; one submission).

Conditions:
Atrioventricular septal defect 5 (AVSD5). Identifiers: MedGen C3280939, MONDO:0013769, OMIM 614474.

gnomAD v4.1: 2 of 1,530,668 alleles (0.00013%); highest among the groups gnomAD compares: Non-Finnish European, 0.000087%; no homozygotes.

Submission:

Labcorp Genetics (formerly Invitae), Labcorp
Classification: Uncertain significance for Atrioventricular septal defect 5. Last evaluated: 2024-06-26. Review status: criteria provided, single submitter. Criteria: Invitae Variant Classification Sherloc (09022015). Collection method: clinical testing. Allele origin: germline.
Comment: This sequence change replaces tyrosine, which is neutral and polar, with cysteine, which is neutral and slightly polar, at codon 340 of the GATA6 protein (p.Tyr340Cys). This variant is not present in population databases (gnomAD no frequency). This variant has not been reported in the literature in individuals affected with GATA6-related conditions. Advanced modeling of protein sequence and biophysical properties (such as structural, functional, and spatial information, amino acid conservation, physicochemical variation, residue mobility, and thermodynamic stability) performed at Invitae indicates that this missense variant is expected to disrupt GATA6 protein function with a positive predictive value of 80%. In summary, the available evidence is currently insufficient to determine the role of this variant in disease. Therefore, it has been classified as a Variant of Uncertain Significance.